The following is an entry in ClinVar:

NM_001130987.2(DYSF):c.2526T>C (p.Cys842=)

Gene: DYSF (dysferlin; plus strand). Cytogenetic location: 2p13.2.
Variant type: single nucleotide variant.
Coding change: c.2526T>C on transcript NM_001130987.2 (MANE Select); coding-DNA position 2526, T replaced by C.
Protein change: p.Cys842=; no amino-acid change (cysteine 842 retained).
Molecular consequence: synonymous variant.
Genome position (GRCh38, 1-based): chr2:71,564,174, T>C. VCF-style: chr2-71564174-T-C. GRCh37 (hg19) VCF-style: chr2-71791304-T-C.
Other names: c.2475T>C, p.Cys825= (NM_001130455.2, NM_001130983.2); c.2430T>C, p.Cys810= (NM_001130976.2, NM_001130977.2); c.2472T>C, p.Cys824= (NM_001130978.2, NM_003494.4); c.2565T>C, p.Cys855= (NM_001130979.2); c.2523T>C, p.Cys841= (NM_001130980.2, NM_001130981.2); c.2568T>C, p.Cys856= (NM_001130982.2); c.2433T>C, p.Cys811= (NM_001130984.2, NM_001130986.2); c.2526T>C, p.Cys842= (NM_001130985.2).
Identifiers: ClinVar variation 1711502 (VCV001711502.30), dbSNP rs2545770314, ClinGen allele CA426701727.

ClinVar aggregate classification (germline): Likely benign (1 of 4 stars; one submission).

Submission:

CeGaT Center for Human Genetics Tuebingen
Classification: Likely benign. Last evaluated: 2022-09-01. Review status: criteria provided, single submitter. Criteria: CeGaT Center For Human Genetics Tuebingen Variant Classification Criteria Version 2. Collection method: clinical testing. Allele origin: germline. Affected: yes. Observed: 1 variant allele.
Comment: DYSF: PM2:Supporting, BP4, BP7